The following is an entry in ClinVar:

ClinVar aggregate classification (germline): Pathogenic (1 of 4 stars; one submission).

Submission:

Labcorp Genetics (formerly Invitae), Labcorp
Classification: Pathogenic. Last evaluated: 2021-04-06. Review status: criteria provided, single submitter. Criteria: Invitae Variant Classification Sherloc (09022015). Collection method: clinical testing. Allele origin: germline.
Comment: A gross deletion of the genomic region encompassing the full coding sequence of the AGT gene has been identified. Loss-of-function variants in AGT are known to be pathogenic (PMID: 11096065, 17036344, 31718018). The boundaries of this event are unknown as they extend beyond the assayed region for this gene and therefore may encompass additional genes. This variant has not been reported in the literature in individuals with AGT-related conditions. For these reasons, this variant has been classified as Pathogenic.

Literature cited by the submitters: PubMed 11096065; PubMed 17036344; PubMed 31718018.

NC_000001.10:g.(?_230838887)_(230846596_?)del

Gene: AGT (angiotensinogen; minus strand). Cytogenetic location: 1q42.2.
Variant type: Deletion.
Identifiers: ClinVar variation 1459353 (VCV001459353.3).